The following is an entry in ClinVar:

NM_006941.4(SOX10):c.1193C>T (p.Pro398Leu)

Genes: POLR2F (RNA polymerase II, I and III subunit F; plus strand), SOX10 (SRY-box transcription factor 10; minus strand). Cytogenetic location: 22q13.1.
Variant type: single nucleotide variant.
Coding change: c.1193C>T on transcript NM_006941.4 (MANE Select); coding-DNA position 1193, C replaced by T.
Protein change: p.Pro398Leu; replaces proline 398 with leucine.
Molecular consequence: missense variant. On other transcripts: intron variant (3).
Genome position (GRCh38, 1-based): chr22:37,973,703, G>A on the plus strand (C>T on the coding strand, the complement: SOX10 is on the minus strand). VCF-style: chr22-37973703-G-A. GRCh37 (hg19) VCF-style: chr22-38369710-G-A.
Other names: c.*38+1393G>A (NM_001363825.1); c.293+6533G>A (NM_001301130.2, NM_001301131.2); short protein forms P398L.
Identifiers: ClinVar variation 1353113 (VCV001353113.8), dbSNP rs1012102759, ClinGen allele CA324160734.

ClinVar aggregate classification (germline): Uncertain significance (1 of 4 stars; one submission).

Allele frequency attached by ClinVar (database versions not stated): gnomAD exomes below 0.00001; TOPMed 0.00001; gnomAD 0.00001.
gnomAD v4.1: 6 of 1,607,882 alleles (0.00037%); highest among the groups gnomAD compares: Non-Finnish European, 0.00043%; no homozygotes.

Submission:

Labcorp Genetics (formerly Invitae), Labcorp
Classification: Uncertain significance. Last evaluated: 2022-07-06. Review status: criteria provided, single submitter. Criteria: Invitae Variant Classification Sherloc (09022015). Collection method: clinical testing. Allele origin: germline.
Comment: This sequence change replaces proline, which is neutral and non-polar, with leucine, which is neutral and non-polar, at codon 398 of the SOX10 protein (p.Pro398Leu). This variant is not present in population databases (gnomAD no frequency). This variant has not been reported in the literature in individuals affected with SOX10-related conditions. ClinVar contains an entry for this variant (Variation ID: 1353113). Algorithms developed to predict the effect of missense changes on protein structure and function are either unavailable or do not agree on the potential impact of this missense change (SIFT: "Deleterious"; PolyPhen-2: "Probably Damaging"; Align-GVGD: "Class C0"). In summary, the available evidence is currently insufficient to determine the role of this variant in disease. Therefore, it has been classified as a Variant of Uncertain Significance.